The following is an entry in ClinVar:

NM_000138.5(FBN1):c.4639dup (p.Thr1547fs)

Gene: FBN1 (fibrillin 1; minus strand). Cytogenetic location: 15q21.1.
Variant type: Duplication.
Coding change: c.4639dup on transcript NM_000138.5 (MANE Select); coding-DNA position 4639, one base duplicated (A; older notation c.4639dupA).
Protein change: p.Thr1547fs; shifts the reading frame from threonine 1547.
Molecular consequence: frameshift variant.
Genome position (GRCh38, 1-based): chr15:48,468,046, T duplicated on the plus strand (A on the coding strand, the reverse complement: FBN1 is on the minus strand). VCF-style (leftmost placement, unchanged base first): chr15-48468045-G-GT. GRCh37 (hg19) VCF-style: chr15-48760242-G-GT.
Other names: c.4639dupA (NM_000138.4); short protein forms T1547fs.
Identifiers: ClinVar variation 647831 (VCV000647831.6), dbSNP rs1597548734, ClinGen allele CA915945995.

ClinVar aggregate classification (germline): Pathogenic (1 of 4 stars; one submission).

Conditions:
Familial thoracic aortic aneurysm and aortic dissection (TAAD). Also called: Thoracic aortic aneurysms and dissections. Identifiers: Orphanet 91387, MedGen C4707243, MONDO:0019625.
Marfan syndrome (MFS). Also called: FBN1-Related Marfan Syndrome; Marfan syndrome type 1; Marfan's syndrome; Marfan syndrome, classic; MARFAN SYNDROME, TYPE I. Identifiers: Orphanet 284963, Orphanet 558, MedGen C0024796, MONDO:0007947, OMIM 154700.

Submission:

Labcorp Genetics (formerly Invitae), Labcorp
Classification: Pathogenic for Marfan syndrome; Familial thoracic aortic aneurysm and aortic dissection. Last evaluated: 2024-12-20. Review status: criteria provided, single submitter. Criteria: Invitae Variant Classification Sherloc (09022015). Collection method: clinical testing. Allele origin: germline.
Comment: This sequence change creates a premature translational stop signal (p.Thr1547Asnfs*6) in the FBN1 gene. It is expected to result in an absent or disrupted protein product. Loss-of-function variants in FBN1 are known to be pathogenic (PMID: 17657824, 19293843). This variant is not present in population databases (gnomAD no frequency). This variant has not been reported in the literature in individuals affected with FBN1-related conditions. ClinVar contains an entry for this variant (Variation ID: 647831). For these reasons, this variant has been classified as Pathogenic.

Literature cited by the submitters: PubMed 17657824; PubMed 19293843.